The following is an entry in ClinVar:

NM_002972.4(SBF1):c.1011+2T>C

Gene: SBF1 (SET binding factor 1; minus strand). Cytogenetic location: 22q13.33.
Variant type: single nucleotide variant.
Coding change: c.1011+2T>C on transcript NM_002972.4 (MANE Select); the canonical splice donor site of the intron after coding-DNA position 1011, T replaced by C.
Molecular consequence: splice donor variant.
Genome position (GRCh38, 1-based): chr22:50,465,959, A>G on the plus strand (T>C on the coding strand, the complement: SBF1 is on the minus strand). VCF-style: chr22-50465959-A-G. GRCh37 (hg19) VCF-style: chr22-50904388-A-G.
Other names: c.1011+2T>C (NM_001410795.1); c.1014+2T>C (NM_001365819.1, NM_001410794.1).
Identifiers: ClinVar variation 2630293 (VCV002630293.1), dbSNP rs2522010204, ClinGen allele CA412220510.

ClinVar aggregate classification (germline): Likely pathogenic (1 of 4 stars; one submission).

Conditions:
SBF1-related disorder. Also called: SBF1-related condition.

Submission:

PreventionGenetics, part of Exact Sciences
Classification: Likely pathogenic for SBF1-related condition. Last evaluated: 2023-02-13. Review status: criteria provided, single submitter. Criteria: ACMG Guidelines, 2015. Collection method: clinical testing. Allele origin: germline.
Comment: The SBF1 c.1011+2T>C variant is predicted to disrupt the GT donor site and interfere with normal splicing. To our knowledge, this variant has not been reported in the literature or in a large population database, indicating this variant is rare. Variants that disrupt the consensus splice donor site in SBF1 are expected to be pathogenic. This variant is interpreted as likely pathogenic.